The following is an entry in ClinVar:

ClinVar aggregate classification (germline): Uncertain significance (1 of 4 stars; one submission).

Submission:

Labcorp Genetics (formerly Invitae), Labcorp
Classification: Uncertain significance. Last evaluated: 2022-05-19. Review status: criteria provided, single submitter. Criteria: Invitae Variant Classification Sherloc (09022015). Collection method: clinical testing. Allele origin: germline.
Comment: This sequence change replaces lysine, which is basic and polar, with arginine, which is basic and polar, at codon 675 of the DLL1 protein (p.Lys675Arg). This variant is not present in population databases (gnomAD no frequency). This missense change has been observed in individual(s) with clinical features of DLL1-related conditions (Invitae). Algorithms developed to predict the effect of missense changes on protein structure and function output the following: SIFT: "Tolerated"; PolyPhen-2: "Benign"; Align-GVGD: "Class C0". The arginine amino acid residue is found in multiple mammalian species, which suggests that this missense change does not adversely affect protein function. Algorithms developed to predict the effect of sequence changes on RNA splicing suggest that this variant may create or strengthen a splice site. In summary, the available evidence is currently insufficient to determine the role of this variant in disease. Therefore, it has been classified as a Variant of Uncertain Significance.

NM_005618.4(DLL1):c.2024A>G (p.Lys675Arg)

Genes: DLL1 (delta like canonical Notch ligand 1; minus strand), LOC126859913 (P300/CBP strongly-dependent group 1 enhancer GRCh37_chr6:170591232-170592431; plus strand). Cytogenetic location: 6q27.
Variant type: single nucleotide variant.
Coding change: c.2024A>G on transcript NM_005618.4 (MANE Select); coding-DNA position 2024, A replaced by G.
Protein change: p.Lys675Arg; replaces lysine 675 with arginine.
Molecular consequence: missense variant.
Genome position (GRCh38, 1-based): chr6:170,283,255, T>C on the plus strand (A>G on the coding strand, the complement: DLL1 is on the minus strand). VCF-style: chr6-170283255-T-C. GRCh37 (hg19) VCF-style: chr6-170592343-T-C.
Other names: short protein forms K675R.
Identifiers: ClinVar variation 1996302 (VCV001996302.4), dbSNP rs2483344967, ClinGen allele CA366506049.